The following is an entry in ClinVar:

ClinVar aggregate classification (germline): Uncertain significance (1 of 4 stars; one submission).

Conditions:
SALL4-Related Disorders. Also called: SALL4-related condition; SALL4-related disorder. Identifiers: MedGen CN381056.

Allele frequency attached by ClinVar (database versions not stated): gnomAD exomes below 0.00001.
gnomAD v4.1: 1 of 1,614,174 alleles (0.000062%); highest among the groups gnomAD compares: African/African-American, 0.0013%; no homozygotes.

Submission:

PreventionGenetics, part of Exact Sciences
Classification: Uncertain significance for SALL4-related condition. Last evaluated: 2023-05-05. Review status: criteria provided, single submitter. Criteria: ACMG Guidelines, 2015. Collection method: clinical testing. Allele origin: germline.
Comment: The SALL4 c.1162A>T variant is predicted to result in the amino acid substitution p.Ser388Cys. To our knowledge, this variant has not been reported in the literature or in a large population database, indicating this variant is rare. At this time, the clinical significance of this variant is uncertain due to the absence of conclusive functional and genetic evidence.

NM_020436.5(SALL4):c.1162A>T (p.Ser388Cys)

Gene: SALL4 (spalt like transcription factor 4; minus strand). Cytogenetic location: 20q13.2.
Variant type: single nucleotide variant.
Coding change: c.1162A>T on transcript NM_020436.5 (MANE Select); coding-DNA position 1162, A replaced by T.
Protein change: p.Ser388Cys; replaces serine 388 with cysteine.
Molecular consequence: missense variant. On other transcripts: intron variant (1).
Genome position (GRCh38, 1-based): chr20:51,791,321, T>A on the plus strand (A>T on the coding strand, the complement: SALL4 is on the minus strand). VCF-style: chr20-51791321-T-A. GRCh37 (hg19) VCF-style: chr20-50407860-T-A.
Other names: c.1150+12A>T (NM_001318031.2); short protein forms S388C.
Identifiers: ClinVar variation 2632924 (VCV002632924.1), dbSNP rs2515716951, ClinGen allele CA409011942.